The following is an entry in ClinVar:

NM_013275.6(ANKRD11):c.6430C>T (p.Gln2144Ter)

Gene: ANKRD11 (ankyrin repeat domain containing 11; minus strand). Cytogenetic location: 16q24.3.
Variant type: single nucleotide variant.
Coding change: c.6430C>T on transcript NM_013275.6 (MANE Select); coding-DNA position 6430, C replaced by T.
Protein change: p.Gln2144Ter; replaces glutamine 2144 with a stop codon.
Molecular consequence: nonsense.
Genome position (GRCh38, 1-based): chr16:89,280,112, G>A on the plus strand (C>T on the coding strand, the complement: ANKRD11 is on the minus strand). VCF-style: chr16-89280112-G-A. GRCh37 (hg19) VCF-style: chr16-89346520-G-A.
Other names: c.6430C>T, p.Gln2144Ter (NM_001256182.2, NM_001256183.2); short protein forms Q2144*.
Identifiers: ClinVar variation 504351 (VCV000504351.4), dbSNP rs1555525685, ClinGen allele CA397151170.

ClinVar aggregate classification (germline): Pathogenic (1 of 4 stars; one submission).

Submission:

GeneDx
Classification: Pathogenic. Last evaluated: 2024-04-21. Review status: criteria provided, single submitter. Criteria: GeneDx Variant Classification Process June 2021. Collection method: clinical testing. Allele origin: germline. Affected: yes.
Comment: Nonsense variant predicted to result in protein truncation or nonsense mediated decay in a gene for which loss of function is a known mechanism of disease; Not observed at significant frequency in large population cohorts (gnomAD); This variant is associated with the following publications: (PMID: 33057194, 35982159)